The following is an entry in ClinVar:

NM_005159.5(ACTC1):c.554_555delinsTT (p.Arg185Leu)

Genes: ACTC1 (actin alpha cardiac muscle 1; minus strand), GJD2-DT (GJD2 divergent transcript; plus strand). Cytogenetic location: 15q14.
Variant type: Indel.
Coding change: c.554_555delinsTT on transcript NM_005159.5 (MANE Select); coding-DNA positions 554 to 555, GG replaced by TT.
Protein change: p.Arg185Leu; replaces arginine 185 with leucine.
Molecular consequence: missense variant.
Genome position (GRCh38, 1-based): chr15:34,792,469-34,792,470, CC replaced by AA on the plus strand (GG replaced by TT on the coding strand, the reverse complement: ACTC1 is on the minus strand). VCF-style: chr15-34792469-CC-AA. GRCh37 (hg19) VCF-style: chr15-35084670-CC-AA.
Other names: c.554_555delinsTT, p.Arg185Leu (NM_001406482.1, NM_001406483.1); c.419_420delinsTT, p.Arg140Leu (NM_001406484.1); c.113_114delinsTT, p.Arg38Leu (NM_001406485.1); short protein forms R140L, R185L, R38L.
Identifiers: ClinVar variation 3757193 (VCV003757193.2).
Genomic context (GRCh38, chr15:34,792,469, plus strand): 5'-AGTGGTGACAAAGGAGTAGCCACGCTCAGTGAGGATCTTCATGAGGTAGTCAGTGAGGTC[CC>AA]GACCAGCCAGATCCAGACGCATGATGGCATGGGGCAAAGCGTAGCCCTCATAGATGGGGA-3'
Protein context (NP_005150.1, residues 175-195): HAIMRLDLAG[Arg185Leu]DLTDYLMKIL

ClinVar aggregate classification (germline): Uncertain significance (1 of 4 stars; one submission).

Conditions:
Atrial septal defect 5 (ASD5). Identifiers: Orphanet 1478, MedGen C2748552, MONDO:0013011, OMIM 612794.
Dilated cardiomyopathy 1R (CMD1R). Identifiers: Orphanet 154, Orphanet 54260, MedGen C3150681, MONDO:0013261, OMIM 613424.
Hypertrophic cardiomyopathy 11. Also called: ACTC1-Related Familial Hypertrophic Cardiomyopathy. Identifiers: MedGen C2677506, MONDO:0012799, OMIM 612098.

Submission:

Labcorp Genetics (formerly Invitae), Labcorp
Classification: Uncertain significance for Dilated cardiomyopathy 1R; Hypertrophic cardiomyopathy 11; Atrial septal defect 5. Last evaluated: 2024-07-09. Review status: criteria provided, single submitter. Criteria: Invitae Variant Classification Sherloc (09022015). Collection method: clinical testing. Allele origin: germline.
Comment: This sequence change replaces arginine, which is basic and polar, with leucine, which is neutral and non-polar, at codon 185 of the ACTC1 protein (p.Arg185Leu). Information on the frequency of this variant in the gnomAD database is not available, as this variant may be reported differently in the database. This variant has not been reported in the literature in individuals affected with ACTC1-related conditions. An algorithm developed to predict the effect of missense changes on protein structure and function (PolyPhen-2) suggests that this variant is likely to be disruptive. In summary, the available evidence is currently insufficient to determine the role of this variant in disease. Therefore, it has been classified as a Variant of Uncertain Significance.